The following is an entry in ClinVar:

ClinVar aggregate classification (germline): Conflicting classifications of pathogenicity. Review status: criteria provided, conflicting classifications (1 of 4 stars). 2 submissions from 2 submitters: Uncertain significance (1); Likely benign (1). Last evaluated 2025-12-22.

Conditions:
Inborn genetic diseases. Identifiers: MedGen C0950123, MeSH D030342.

Allele frequency attached by ClinVar (database versions not stated): gnomAD 0.00003; gnomAD exomes 0.00003; ExAC 0.00004; TOPMed 0.00006.

Submissions (2):

Labcorp Genetics (formerly Invitae), Labcorp
Classification: Uncertain significance. Last evaluated: 2025-12-22. Review status: criteria provided, single submitter. Criteria: Invitae Variant Classification Sherloc (09022015). Collection method: clinical testing. Allele origin: germline.
Comment: This sequence change replaces glycine, which is neutral and non-polar, with arginine, which is basic and polar, at codon 2018 of the TRRAP protein (p.Gly2018Arg). This variant is present in population databases (rs782085946, gnomAD 0.02%). This variant has not been reported in the literature in individuals affected with TRRAP-related conditions. ClinVar contains an entry for this variant (Variation ID: 1916951). An algorithm developed to predict the effect of missense changes on protein structure and function (PolyPhen-2) suggests that this variant is likely to be tolerated. Algorithms developed to predict the effect of sequence changes on RNA splicing suggest that this variant may disrupt the consensus splice site. In summary, the available evidence is currently insufficient to determine the role of this variant in disease. Therefore, it has been classified as a Variant of Uncertain Significance.

Ambry Genetics
Classification: Likely benign for Inborn genetic diseases. Last evaluated: 2025-08-09. Review status: criteria provided, single submitter. Criteria: Ambry Variant Classification Scheme 2023. Collection method: clinical testing. Allele origin: germline.

NM_001375524.1(TRRAP):c.6127G>A (p.Gly2043Arg)

Gene: TRRAP (transformation/transcription domain associated protein; plus strand). Cytogenetic location: 7q22.1.
Variant type: single nucleotide variant.
Coding change: c.6127G>A on transcript NM_001375524.1 (MANE Select); coding-DNA position 6127, G replaced by A.
Protein change: p.Gly2043Arg; replaces glycine 2043 with arginine.
Molecular consequence: missense variant.
Genome position (GRCh38, 1-based): chr7:98,956,429, G>A. VCF-style: chr7-98956429-G-A. GRCh37 (hg19) VCF-style: chr7-98554052-G-A.
Other names: c.6106G>A, p.Gly2036Arg (NM_001244580.2); c.6052G>A, p.Gly2018Arg (NM_003496.4); c.6106G>A (NM_001244580.1); short protein forms G2043R, G2018R, G2036R.
Identifiers: ClinVar variation 1916951 (VCV001916951.6), dbSNP rs782085946, ClinGen allele CA4360760.